The following is an entry in ClinVar:

ClinVar aggregate classification (germline): Likely benign. Review status: criteria provided, multiple submitters, no conflicts (2 of 4 stars). 5 submissions from 5 submitters: Likely benign (5). Last evaluated 2026-08-01.

Conditions:
CDKN1C-related disorder. Also called: CDKN1C-related condition.
Beckwith-Wiedemann syndrome (BWS). Also called: EMG SYNDROME; Exomphalos macroglossia gigantism syndrome. Identifiers: Orphanet 116, MedGen C0004903, MONDO:0007534, OMIM 130650.

Allele frequency attached by ClinVar (database versions not stated): gnomAD exomes 0.00001; TOPMed 0.00002; gnomAD 0.00003.
gnomAD v4.1: 31 of 1,557,092 alleles (0.002%); highest among the groups gnomAD compares: Non-Finnish European, 0.0027%; no homozygotes.

Submissions (5):

CeGaT Center for Human Genetics Tuebingen
Classification: Likely benign. Last evaluated: 2026-08-01. Review status: criteria provided, single submitter. Criteria: CeGaT Center For Human Genetics Tuebingen Variant Classification Criteria Version 2. Collection method: clinical testing. Allele origin: germline. Affected: yes. Observed: 1 variant allele.
Comment: CDKN1C: BP4, BP7

Labcorp Genetics (formerly Invitae), Labcorp
Classification: Likely benign for Beckwith-Wiedemann syndrome. Last evaluated: 2026-01-22. Review status: criteria provided, single submitter. Criteria: Invitae Variant Classification Sherloc (09022015). Collection method: clinical testing. Allele origin: germline.

PreventionGenetics, part of Exact Sciences
Classification: Likely benign for CDKN1C-related condition. Last evaluated: 2025-03-03. Review status: criteria provided, single submitter. Criteria: ACMG Guidelines, 2015. Collection method: clinical testing. Allele origin: germline.
Comment: This variant is classified as likely benign based on ACMG/AMP sequence variant interpretation guidelines (Richards et al. 2015 PMID: 25741868, with internal and published modifications).

Laboratory of Genetics, Children's Clinical University Hospital Latvia
Classification: Likely benign. Last evaluated: 2025-02-16. Review status: criteria provided, single submitter. Criteria: ACMG Guidelines, 2015. Collection method: clinical testing. Allele origin: germline. Affected: yes.

Sema4
Classification: Likely benign for Beckwith-Wiedemann syndrome. Last evaluated: 2021-03-03. Review status: criteria provided, single submitter. Criteria: Sema4 Curation Guidelines. Collection method: curation. Allele origin: germline.

NM_001122630.2(CDKN1C):c.885G>C (p.Ser295=)

Gene: CDKN1C (cyclin dependent kinase inhibitor 1C; minus strand). Cytogenetic location: 11p15.4.
Variant type: single nucleotide variant.
Coding change: c.885G>C on transcript NM_001122630.2 (MANE Select); coding-DNA position 885, G replaced by C.
Protein change: p.Ser295=; no amino-acid change (serine 295 retained).
Molecular consequence: synonymous variant. On other transcripts: missense variant (1).
Genome position (GRCh38, 1-based): chr11:2,884,037, C>G on the plus strand (G>C on the coding strand, the complement: CDKN1C is on the minus strand). VCF-style: chr11-2884037-C-G. GRCh37 (hg19) VCF-style: chr11-2905267-C-G.
Other names: c.353G>C (NM_001362475.1); c.918G>C, p.Ser306= (LRG_533t1, NM_000076.2, NM_001362474.2); c.885G>C, p.Ser295= (NM_001122631.2); c.353G>C, p.Arg118Pro (NM_001362475.2); short protein forms R118P.
Identifiers: ClinVar variation 412848 (VCV000412848.15), dbSNP rs1060503861, ClinGen allele CA16613337.